The following is an entry in ClinVar:

ClinVar aggregate classification (germline): Uncertain significance (1 of 4 stars; one submission).

Conditions:
SEMA3A-related disorder. Also called: SEMA3A-related condition.

gnomAD v4.1: 5 of 1,613,970 alleles (0.00031%); highest among the groups gnomAD compares: East Asian, 0.0045%; 1 homozygote.

Submission:

PreventionGenetics, part of Exact Sciences
Classification: Uncertain significance for SEMA3A-related condition. Last evaluated: 2025-04-22. Review status: criteria provided, single submitter. Criteria: ACMG Guidelines, 2015. Collection method: clinical testing. Allele origin: germline.
Comment: The SEMA3A c.2101G>C variant is predicted to result in the amino acid substitution p.Val701Leu. To our knowledge, this variant has not been reported in the literature. This variant is reported in 0.0065% of alleles in individuals of European (Non-Finnish) descent in gnomAD. At this time, the clinical significance of this variant is uncertain due to the absence of conclusive functional and genetic evidence.

NM_006080.3(SEMA3A):c.2101G>C (p.Val701Leu)

Gene: SEMA3A (semaphorin 3A; minus strand). Cytogenetic location: 7q21.11.
Variant type: single nucleotide variant.
Coding change: c.2101G>C on transcript NM_006080.3 (MANE Select); coding-DNA position 2101, G replaced by C.
Protein change: p.Val701Leu; replaces valine 701 with leucine.
Molecular consequence: missense variant.
Genome position (GRCh38, 1-based): chr7:83,961,586, C>G on the plus strand (G>C on the coding strand, the complement: SEMA3A is on the minus strand). VCF-style: chr7-83961586-C-G. GRCh37 (hg19) VCF-style: chr7-83590902-C-G.
Other names: short protein forms V701L.
Identifiers: ClinVar variation 4985412 (VCV004985412.1).